The following is an entry in ClinVar:

NM_001003800.2(BICD2):c.2383C>T (p.Arg795Trp)

Gene: BICD2 (BICD cargo adaptor 2; minus strand). Cytogenetic location: 9q22.31.
Variant type: single nucleotide variant.
Coding change: c.2383C>T on transcript NM_001003800.2 (MANE Select); coding-DNA position 2383, C replaced by T.
Protein change: p.Arg795Trp; replaces arginine 795 with tryptophan.
Molecular consequence: missense variant.
Genome position (GRCh38, 1-based): chr9:92,715,339, G>A on the plus strand (C>T on the coding strand, the complement: BICD2 is on the minus strand). VCF-style: chr9-92715339-G-A. GRCh37 (hg19) VCF-style: chr9-95477621-G-A.
Other names: c.2383C>T, p.Arg795Trp (NM_015250.4); short protein forms R795W.
Identifiers: ClinVar variation 644642 (VCV000644642.14), dbSNP rs756421767, ClinGen allele CA196336485.

ClinVar aggregate classification (germline): Uncertain significance. Review status: criteria provided, multiple submitters, no conflicts (2 of 4 stars). 2 submissions from 2 submitters: Uncertain significance (2). Last evaluated 2025-02-15.

Conditions:
Autosomal dominant childhood-onset proximal spinal muscular atrophy with contractures (SMALED2A). Also called: SPINAL MUSCULAR ATROPHY, LOWER EXTREMITY-PREDOMINANT, 2A, CHILDHOOD ONSET, AUTOSOMAL DOMINANT; Spinal muscular atrophy, lower extremity-predominant, 2A, autosomal dominant. Identifiers: Orphanet 363447, Orphanet 363454, MedGen C4747715, MONDO:0014121, OMIM 615290.
Recurrent metabolic encephalomyopathic crises-rhabdomyolysis-cardiac arrhythmia-intellectual disability syndrome (MECRCN). Also called: METABOLIC CRISES, RECURRENT, WITH RHABDOMYOLYSIS, CARDIAC ARRHYTHMIAS, AND NEURODEGENERATION; TANGO2 Deficiency; Metabolic encephalomyopathic crises, recurrent, with rhabdomyolysis, cardiac arrhythmias, and neurodegeneration. Identifiers: Orphanet 480864, MedGen C5567524, MONDO:0018820, OMIM 616878.

Allele frequency attached by ClinVar (database versions not stated): gnomAD exomes 0.00001.

Submissions (2):

Labcorp Genetics (formerly Invitae), Labcorp
Classification: Uncertain significance for Autosomal dominant childhood-onset proximal spinal muscular atrophy with contractures. Last evaluated: 2025-02-15. Review status: criteria provided, single submitter. Criteria: Invitae Variant Classification Sherloc (09022015). Collection method: clinical testing. Allele origin: germline.
Comment: This sequence change replaces arginine, which is basic and polar, with tryptophan, which is neutral and slightly polar, at codon 795 of the BICD2 protein (p.Arg795Trp). This variant is not present in population databases (gnomAD no frequency). This variant has not been reported in the literature in individuals affected with BICD2-related conditions. ClinVar contains an entry for this variant (Variation ID: 644642). Invitae Evidence Modeling incorporating data from in vitro experimental studies (internal data) indicates that this missense variant is not expected to disrupt BICD2 function with a negative predictive value of 95%. In summary, the available evidence is currently insufficient to determine the role of this variant in disease. Therefore, it has been classified as a Variant of Uncertain Significance.

Institute for Medical Genetics and Human Genetics, Charité - Universitätsmedizin Berlin
Classification: Uncertain significance for Recurrent metabolic encephalomyopathic crises-rhabdomyolysis-cardiac arrhythmia-intellectual disability syndrome. Last evaluated: 2022-09-27. Review status: criteria provided, single submitter. Criteria: ACMG Guidelines, 2015. Collection method: clinical testing. Allele origin: germline. Inheritance: Autosomal recessive inheritance. Affected: yes. Observed: 1 compound heterozygote.